The following is an entry in ClinVar:

ClinVar aggregate classification (germline): Uncertain significance (1 of 4 stars; one submission).

Submission:

GeneDx
Classification: Uncertain significance. Last evaluated: 2024-10-07. Review status: criteria provided, single submitter. Criteria: GeneDx Variant Classification Process June 2021. Collection method: clinical testing. Allele origin: germline. Affected: yes.
Comment: Has not been previously published as pathogenic or benign to our knowledge; Not observed at significant frequency in large population cohorts (gnomAD); In silico analysis supports that this missense variant has a deleterious effect on protein structure/function

NM_001365276.2(TNXB):c.410C>T (p.Thr137Ile)

Gene: TNXB (tenascin XB; minus strand). Cytogenetic location: 6p21.33.
Variant type: single nucleotide variant.
Coding change: c.410C>T on transcript NM_001365276.2 (MANE Select); coding-DNA position 410, C replaced by T.
Protein change: p.Thr137Ile; replaces threonine 137 with isoleucine.
Molecular consequence: missense variant.
Genome position (GRCh38, 1-based): chr6:32,097,443, G>A on the plus strand (C>T on the coding strand, the complement: TNXB is on the minus strand). VCF-style: chr6-32097443-G-A. GRCh37 (hg19) VCF-style: chr6-32065220-G-A.
Other names: c.410C>T, p.Thr137Ile (NM_019105.8); short protein forms T137I.
Identifiers: ClinVar variation 1676857 (VCV001676857.3), dbSNP rs2127293541, ClinGen allele CA363489103.